The following is an entry in ClinVar:

NM_001113378.2(FANCI):c.2856T>A (p.Thr952=)

Gene: FANCI (FA complementation group I; plus strand). Cytogenetic location: 15q26.1.
Variant type: single nucleotide variant.
Coding change: c.2856T>A on transcript NM_001113378.2 (MANE Select); coding-DNA position 2856, T replaced by A.
Protein change: p.Thr952=; no amino-acid change (threonine 952 retained).
Molecular consequence: synonymous variant.
Genome position (GRCh38, 1-based): chr15:89,300,352, T>A. VCF-style: chr15-89300352-T-A. GRCh37 (hg19) VCF-style: chr15-89843583-T-A.
Other names: c.2577T>A, p.Thr859= (NM_001376910.1); c.2856T>A, p.Thr952= (NM_001376911.1); c.2676T>A, p.Thr892= (NM_018193.3).
Identifiers: ClinVar variation 317289 (VCV000317289.15), dbSNP rs368915464, ClinGen allele CA7723489.

ClinVar aggregate classification (germline): Conflicting classifications of pathogenicity. Review status: criteria provided, conflicting classifications (1 of 4 stars). 4 submissions from 4 submitters: Uncertain significance (1); Likely benign (2). 1 of the submissions does not count toward it. Last evaluated 2026-01-20.

Conditions:
FANCI-related disorder. Also called: FANCI-related condition.
Fanconi anemia (FA). Also called: Fanconi's anemia. Identifiers: Orphanet 84, MedGen C0015625, MeSH D005199, MONDO:0019391.
Fanconi anemia complementation group I (FANCI). Also called: FANCI-Related Fanconi Anemia. Identifiers: Orphanet 84, MedGen C1836861, MONDO:0012186, OMIM 609053.

Allele frequency attached by ClinVar (database versions not stated): gnomAD exomes 0.00003 and 0.00007; ExAC 0.00004; gnomAD 0.00004 and 0.00005; TOPMed 0.00006; ESP Exome Variant Server 0.00008.
gnomAD v4.1: 124 of 1,613,902 alleles (0.0077%); highest among the groups gnomAD compares: Non-Finnish European, 0.0093%; 1 homozygote.

Submissions (4):

Labcorp Genetics (formerly Invitae), Labcorp
Classification: Likely benign for Fanconi anemia. Last evaluated: 2026-01-20. Review status: criteria provided, single submitter. Criteria: Invitae Variant Classification Sherloc (09022015). Collection method: clinical testing. Allele origin: germline.

Blueprint Genetics
Classification: Likely benign. Last evaluated: 2024-10-17. Review status: criteria provided, single submitter. Criteria: ACMG Guidelines, 2015. Collection method: clinical testing. Allele origin: germline.

Illumina Laboratory Services, Illumina
Classification: Uncertain significance for Fanconi anemia complementation group I. Last evaluated: 2018-01-12. Review status: criteria provided, single submitter. Criteria: ICSL Variant Classification Criteria 13 December 2019. Collection method: clinical testing. Allele origin: germline.

PreventionGenetics, part of Exact Sciences
Classification: Likely benign for FANCI-related condition. Last evaluated: 2019-02-20. Review status: no assertion criteria provided. Collection method: clinical testing. Allele origin: germline. Not counted in ClinVar's aggregate classification.
Comment: This variant is classified as likely benign based on ACMG/AMP sequence variant interpretation guidelines (Richards et al. 2015 PMID: 25741868, with internal and published modifications).